The following is an entry in ClinVar:

NM_000051.4(ATM):c.492G>A (p.Trp164Ter)

Gene: ATM (ATM serine/threonine kinase; plus strand). Cytogenetic location: 11q22.3.
Variant type: single nucleotide variant.
Coding change: c.492G>A on transcript NM_000051.4 (MANE Select); coding-DNA position 492, G replaced by A.
Protein change: p.Trp164Ter; replaces tryptophan 164 with a stop codon.
Molecular consequence: nonsense.
Genome position (GRCh38, 1-based): chr11:108,235,830, G>A. VCF-style: chr11-108235830-G-A. GRCh37 (hg19) VCF-style: chr11-108106557-G-A.
Other names: c.492G>A, p.Trp164Ter (NM_001351834.2); c.492G>A (NM_000051.3); short protein forms W164*.
Identifiers: ClinVar variation 1403292 (VCV001403292.31), dbSNP rs1555059530, ClinGen allele CA382525752.

ClinVar aggregate classification (germline): Pathogenic. Review status: criteria provided, multiple submitters, no conflicts (2 of 4 stars). 4 submissions from 4 submitters: Pathogenic (4). Last evaluated 2025-01-23.

Conditions:
Familial cancer of breast. Also called: hereditary breast carcinoma; BREAST CANCER, FAMILIAL; Hereditary breast cancer. Identifiers: Orphanet 227535, MedGen C0346153, MONDO:0016419, OMIM 114480. Disease mechanism: loss of function.
Ataxia-telangiectasia syndrome (AT). Also called: Cerebello-oculocutaneous telangiectasia; Immunodeficiency with ataxia telangiectasia; LOUIS-BAR SYNDROME; Ataxia-telangiectasia; Ataxia-telangiectasia, complementation group E; Ataxia telangiectasia (A-T). Identifiers: Orphanet 100, MedGen C0004135, MONDO:0008840, OMIM 208900.
Hereditary cancer-predisposing syndrome. Also called: Hereditary Cancer Syndrome; Tumor predisposition; Neoplastic Syndromes, Hereditary; Hereditary neoplastic syndrome. Identifiers: Orphanet 140162, MedGen C0027672, MeSH D009386, MONDO:0015356.

gnomAD v4.1: 1 of 1,613,762 alleles (0.000062%); highest among the groups gnomAD compares: Middle Eastern, 0.017%; no homozygotes.

Submissions (4):

Labcorp Genetics (formerly Invitae), Labcorp
Classification: Pathogenic for Ataxia-telangiectasia syndrome. Last evaluated: 2025-01-23. Review status: criteria provided, single submitter. Criteria: Invitae Variant Classification Sherloc (09022015). Collection method: clinical testing. Allele origin: germline.
Comment: This sequence change creates a premature translational stop signal (p.Trp164*) in the ATM gene. It is expected to result in an absent or disrupted protein product. Loss-of-function variants in ATM are known to be pathogenic (PMID: 23807571, 25614872). This variant is not present in population databases (gnomAD no frequency). This variant has not been reported in the literature in individuals affected with ATM-related conditions. ClinVar contains an entry for this variant (Variation ID: 1403292). For these reasons, this variant has been classified as Pathogenic.

Ambry Genetics
Classification: Pathogenic for Hereditary cancer-predisposing syndrome. Last evaluated: 2024-07-13. Review status: criteria provided, single submitter. Criteria: Ambry Variant Classification Scheme 2023. Collection method: clinical testing. Allele origin: germline.
Comment: The p.W164* pathogenic mutation (also known as c.492G>A), located in coding exon 4 of the ATM gene, results from a G to A substitution at nucleotide position 492. This changes the amino acid from a tryptophan to a stop codon within coding exon 4. This variant is considered to be rare based on population cohorts in the Genome Aggregation Database (gnomAD). This alteration is expected to result in loss of function by premature protein truncation or nonsense-mediated mRNA decay. As such, this alteration is interpreted as a disease-causing mutation.

Myriad Genetics, Inc.
Classification: Pathogenic for Familial cancer of breast. Last evaluated: 2023-12-18. Review status: criteria provided, single submitter. Criteria: Myriad Autosomal Dominant, Autosomal Recessive and X-Linked Classification Criteria (2023). Collection method: clinical testing. Allele origin: unknown.
Comment: This variant is considered pathogenic. This variant creates a termination codon and is predicted to result in premature protein truncation.

CeGaT Center for Human Genetics Tuebingen
Classification: Pathogenic. Last evaluated: 2023-10-01. Review status: criteria provided, single submitter. Criteria: CeGaT Center For Human Genetics Tuebingen Variant Classification Criteria Version 2. Collection method: clinical testing. Allele origin: germline. Affected: yes. Observed: 1 variant allele.
Comment: ATM: PVS1, PM2, PM3:Supporting

Literature cited by the submitters: PubMed 23807571 (cited by Labcorp Genetics (formerly Invitae), Labcorp); PubMed 25614872 (cited by Labcorp Genetics (formerly Invitae), Labcorp).